The following is an entry in ClinVar:

ClinVar aggregate classification (germline): Conflicting classifications of pathogenicity. Review status: criteria provided, conflicting classifications (1 of 4 stars). 5 submissions from 5 submitters: Uncertain significance (1); Likely benign (3). 1 of the submissions does not count toward it. Last evaluated 2026-01-18.

Conditions:
DDX41-related disorder. Also called: DDX41-related condition.
Inborn genetic diseases. Identifiers: MedGen C0950123, MeSH D030342.

Allele frequency attached by ClinVar (database versions not stated): gnomAD 0.00003 and 0.00004; ESP Exome Variant Server 0.00008.
gnomAD v4.1: 116 of 1,613,618 alleles (0.0072%); highest among the groups gnomAD compares: Non-Finnish European, 0.0032%; no homozygotes.

Submissions (5):

Labcorp Genetics (formerly Invitae), Labcorp
Classification: Likely benign. Last evaluated: 2026-01-18. Review status: criteria provided, single submitter. Criteria: Invitae Variant Classification Sherloc (09022015). Collection method: clinical testing. Allele origin: germline.

Ambry Genetics
Classification: Likely benign for Inborn genetic diseases. Last evaluated: 2025-08-26. Review status: criteria provided, single submitter. Criteria: Ambry Variant Classification Scheme 2023. Collection method: clinical testing. Allele origin: germline.

Blueprint Genetics
Classification: Likely benign. Last evaluated: 2024-10-16. Review status: criteria provided, single submitter. Criteria: ACMG Guidelines, 2015. Collection method: clinical testing. Allele origin: germline.

Genetic Services Laboratory, University of Chicago
Classification: Uncertain significance. Last evaluated: 2021-01-20. Review status: criteria provided, single submitter. Criteria: ACMG Guidelines, 2015. Collection method: clinical testing. Allele origin: germline. Affected: no.
Comment: This change does not appear to have been previously described in patients with DDX41-related disorders and has been described in the gnomAD with a population frequency of 0.22% in the Ashkenazi Jewish subpopulation (dbSNP rs200471726). This sequence change is not clearly predicted to have a deleterious effect on splicing based on in silico splice prediction programs. The functional significance of this sequence change is not known at present and its contribution to this patient's disease phenotype cannot definitively be determined.

PreventionGenetics, part of Exact Sciences
Classification: Likely benign for DDX41-related condition. Last evaluated: 2020-04-24. Review status: no assertion criteria provided. Collection method: clinical testing. Allele origin: germline. Not counted in ClinVar's aggregate classification.
Comment: This variant is classified as likely benign based on ACMG/AMP sequence variant interpretation guidelines (Richards et al. 2015 PMID: 25741868, with internal and published modifications).

NM_016222.4(DDX41):c.1622-3C>T

Gene: DDX41 (DEAD-box helicase 41; minus strand). Cytogenetic location: 5q35.3.
Variant type: single nucleotide variant.
Coding change: c.1622-3C>T on transcript NM_016222.4 (MANE Select); 3 bases into the intron before coding-DNA position 1622, C replaced by T.
Molecular consequence: intron variant.
Genome position (GRCh38, 1-based): chr5:177,512,209, G>A on the plus strand (C>T on the coding strand, the complement: DDX41 is on the minus strand). VCF-style: chr5-177512209-G-A. GRCh37 (hg19) VCF-style: chr5-176939210-G-A.
Other names: c.1622-3C>T (NM_016222.2); c.1244-3C>T (NM_001321830.2, NM_001321732.2).
Identifiers: ClinVar variation 1337816 (VCV001337816.13), dbSNP rs200471726, ClinGen allele CA3584657.